The following is an entry in ClinVar:

ClinVar aggregate classification (germline): Likely pathogenic (1 of 4 stars; one submission).

Conditions:
Methylmalonic aciduria due to complete methylmalonyl-CoA mutase deficiency.

Submission:

Natera, Inc.
Classification: Likely pathogenic for Methylmalonic aciduria due to complete methylmalonyl-CoA mutase deficiency. Last evaluated: 2025-09-30. Review status: criteria provided, single submitter. Criteria: Natera Variant Classification Schema (03/2026). Collection method: clinical testing. Allele origin: germline.
Comment: The c.30_31delinsCAT variant in MMUT is a frameshift variant predicted to shift the reading frame beginning at codon 10 and leads to a stop codon 39 codons downstream. This variant is expected to result in nonsense mediated decay, truncation, or a dysfunctional protein product. This variant is rare in the general population with a frequency below the threshold expected for the associated phenotype(s). Given the available evidence, this variant is classified as Likely Pathogenic.

NM_000255.4(MMUT):c.30_31delinsCAT (p.Leu10fs)

Gene: MMUT (methylmalonyl-CoA mutase; minus strand). Cytogenetic location: 6p12.3.
Variant type: Indel.
Coding change: c.30_31delinsCAT on transcript NM_000255.4 (MANE Select); coding-DNA positions 30 to 31, AC replaced by CAT.
Protein change: p.Leu10fs; shifts the reading frame from leucine 10.
Molecular consequence: frameshift variant.
Genome position (GRCh38, 1-based): chr6:49,459,436-49,459,437, GT replaced by ATG on the plus strand (AC replaced by CAT on the coding strand, the reverse complement: MMUT is on the minus strand). VCF-style: chr6-49459436-GT-ATG. GRCh37 (hg19) VCF-style: chr6-49427149-GT-ATG.
Other names: short protein forms L10fs.
Identifiers: ClinVar variation 4818001 (VCV004818001.1).